The following is an entry in ClinVar:

NM_000384.3(APOB):c.4365C>T (p.Phe1455=)

Gene: APOB (apolipoprotein B; minus strand). Cytogenetic location: 2p24.1.
Variant type: single nucleotide variant.
Coding change: c.4365C>T on transcript NM_000384.3 (MANE Select); coding-DNA position 4365, C replaced by T.
Protein change: p.Phe1455=; no amino-acid change (phenylalanine 1455 retained).
Molecular consequence: synonymous variant.
Genome position (GRCh38, 1-based): chr2:21,012,503, G>A on the plus strand (C>T on the coding strand, the complement: APOB is on the minus strand). VCF-style: chr2-21012503-G-A. GRCh37 (hg19) VCF-style: chr2-21235375-G-A.
Other names: p.Phe1455=.
Identifiers: ClinVar variation 334144 (VCV000334144.30), dbSNP rs12720847, ClinGen allele CA060924.

ClinVar aggregate classification (germline): Benign/Likely benign. Review status: criteria provided, multiple submitters, no conflicts (2 of 4 stars). 13 submissions from 12 submitters: Benign (10); Likely benign (3). Last evaluated 2026-09-21.

Conditions:
Cardiovascular phenotype. Identifiers: MedGen CN230736.
Familial hypobetalipoproteinemia 1. Also called: Hypobetalipoproteinemia, normotriglyceridemic; Acanthocytosis with hypobetalipoproteinemia; APOB-Related Familial Hypobetalipoproteinemia. Identifiers: MedGen C4551990, MONDO:0014252, OMIM 615558.
Hypercholesterolemia, autosomal dominant, type B (FHCL2). Also called: Familial Hypercholesterolemia Type B; HYPERCHOLESTEROLEMIA, FAMILIAL, DUE TO LIGAND-DEFECTIVE APOLIPOPROTEIN B; APOLIPOPROTEIN B-100, FAMILIAL DEFECTIVE; APOLIPOPROTEIN B-100, FAMILIAL LIGAND-DEFECTIVE; Familial hypercholesterolemia 2; APOB-Related Familial Hypercholesterolemia, Autosomal Dominant. Identifiers: MedGen C1704417, MONDO:0007751, OMIM 144010.
Hypercholesterolemia, familial, 1. Also called: LDL RECEPTOR DISORDER; Hyperlipoproteinemia Type IIa; HYPER-LOW-DENSITY-LIPOPROTEINEMIA; HYPERCHOLESTEROLEMIC XANTHOMATOSIS, FAMILIAL; Fredrickson type IIa hyperlipoproteinemia; Hyperlipoproteinemia type 2. Identifiers: Orphanet 391665, MedGen C0745103, MONDO:0007750, OMIM 143890.
Familial hypercholesterolemia. Also called: Familial hypercholesterolemias; Familial hypercholesterolaemia. Identifiers: MedGen C0020445, MONDO:0005439.

Allele frequency attached by ClinVar (database versions not stated): gnomAD exomes 0.00201 and 0.00508; ExAC 0.00592; gnomAD 0.01812; 1000 Genomes Project 0.01997; TOPMed 0.01985; 1000 Genomes Project 30x 0.02217; ESP Exome Variant Server 0.02092.
gnomAD v4.1: 5,952 of 1,614,100 alleles (0.37%); highest among the groups gnomAD compares: African/African-American, 6.8%; 176 homozygotes.

Submissions (13):

Molecular Diagnostic Laboratory for Inherited Cardiovascular Disease, Montreal Heart Institute
Classification: Benign. Last evaluated: 2026-09-21. Review status: criteria provided, single submitter. Criteria: ACMG Guidelines, 2015. Collection method: clinical testing. Allele origin: germline. Affected: no.

GENinCode PLC
Classification: Benign for Familial hypercholesterolemia. Last evaluated: 2026-02-19. Review status: criteria provided, single submitter. Criteria: ACMG Guidelines, 2015. Collection method: clinical testing. Allele origin: germline.
Comment: The APOB c.4365C>T p.(Phe1455=) variant is a synonymous (silent) variant. The GrpMax filtering allele frequency in gnomAD v4.1.1 is 0.06613 in the African/ African American genetic ancestry group, which is higher than our in-house threshold (0.005 for BA1), and therefore meets this criterion and is classified as Benign.

Labcorp Genetics (formerly Invitae), Labcorp
Classification: Benign for Familial hypobetalipoproteinemia 1; Hypercholesterolemia, autosomal dominant, type B. Last evaluated: 2026-02-03. Review status: criteria provided, single submitter. Criteria: Invitae Variant Classification Sherloc (09022015). Collection method: clinical testing. Allele origin: germline.

ARUP Laboratories, Molecular Genetics and Genomics, ARUP Laboratories
Classification: Benign. Last evaluated: 2024-12-23. Review status: criteria provided, single submitter. Criteria: ARUP Molecular Germline Variant Investigation Process 2024. Collection method: clinical testing. Allele origin: germline.

Quest Diagnostics Nichols Institute San Juan Capistrano
Classification: Benign. Last evaluated: 2022-05-13. Review status: criteria provided, single submitter. Criteria: Quest Diagnostics criteria. Collection method: clinical testing. Allele origin: unknown.

Illumina Laboratory Services, Illumina
Classification: Likely benign for Familial hypobetalipoproteinemia 1. Last evaluated: 2018-01-12. Review status: criteria provided, single submitter. Criteria: ICSL Variant Classification Criteria 13 December 2019. Collection method: clinical testing. Allele origin: germline.
Comment: This variant was observed in the ICSL laboratory as part of a predisposition screen in an ostensibly healthy population. It had not been previously curated by ICSL or reported in the Human Gene Mutation Database (HGMD: prior to June 1st, 2018), and was therefore a candidate for classification through an automated scoring system. Utilizing variant allele frequency, disease prevalence and penetrance estimates, and inheritance mode, an automated score was calculated to assess if this variant is too frequent to cause the disease. Based on the score and internal cut-off values, a variant classified as likely benign is not then subjected to further curation. The score for this variant resulted in a classification of likely benign for this disease.

Illumina Laboratory Services, Illumina
Classification: Benign for Hypercholesterolemia, autosomal dominant, type B. Last evaluated: 2018-01-12. Review status: criteria provided, single submitter. Criteria: ICSL Variant Classification Criteria 13 December 2019. Collection method: clinical testing. Allele origin: germline.
Comment: This variant was observed in the ICSL laboratory as part of a predisposition screen in an ostensibly healthy population. It had not been previously curated by ICSL or reported in the Human Gene Mutation Database (HGMD: prior to June 1st, 2018), and was therefore a candidate for classification through an automated scoring system. Utilizing variant allele frequency, disease prevalence and penetrance estimates, and inheritance mode, an automated score was calculated to assess if this variant is too frequent to cause the disease. Based on the score and internal cut-off values, a variant classified as benign is not then subjected to further curation. The score for this variant resulted in a classification of benign for this disease.

Robarts Research Institute, Western University
Classification: Likely benign for Hypercholesterolemia, familial, 1. Last evaluated: 2018-01-02. Review status: criteria provided, single submitter. Criteria: ACMG Guidelines, 2015. Collection method: clinical testing. Allele origin: germline. Inheritance: Autosomal dominant inheritance. Affected: yes.

Color Diagnostics, LLC DBA Color Health
Classification: Benign for Familial hypercholesterolemias. Last evaluated: 2017-08-04. Review status: criteria provided, single submitter. Criteria: ACMG Guidelines, 2015. Collection method: clinical testing. Allele origin: germline.

GeneDx
Classification: Benign. Last evaluated: 2017-07-10. Review status: criteria provided, single submitter. Criteria: GeneDx Variant Classification (06012015). Collection method: clinical testing. Allele origin: germline. Affected: yes.
Comment: This variant is considered likely benign or benign based on one or more of the following criteria: it is a conservative change, it occurs at a poorly conserved position in the protein, it is predicted to be benign by multiple in silico algorithms, and/or has population frequency not consistent with disease.

Ambry Genetics
Classification: Benign for Cardiovascular phenotype. Last evaluated: 2017-02-07. Review status: criteria provided, single submitter. Criteria: Ambry Variant Classification Scheme 2023. Collection method: clinical testing. Allele origin: germline.

Mayo Clinic Laboratories, Mayo Clinic
Classification: Benign. Last evaluated: 2014-01-31. Review status: criteria provided, single submitter. Criteria: ACMG Guidelines, 2015. Collection method: clinical testing. Allele origin: germline. Observed: 10 variant alleles.

Breakthrough Genomics
Classification: Likely benign. Review status: criteria provided, single submitter. Criteria: ACMG Guidelines, 2015. Collection method: not provided. Allele origin: germline. Inheritance: Autosomal recessive inheritance. Affected: yes.

Literature cited by the submitters: PubMed 19602640 (cited by Quest Diagnostics Nichols Institute San Juan Capistrano).